The following is an entry in ClinVar:

ClinVar aggregate classification (germline): Benign/Likely benign. Review status: criteria provided, multiple submitters, no conflicts (2 of 4 stars). 2 submissions from 2 submitters: Benign (1); Likely benign (1). Last evaluated 2026-07-01.

Allele frequency attached by ClinVar (database versions not stated): gnomAD 0.00086 and 0.00088; TOPMed 0.00090; 1000 Genomes Project 0.00100; ESP Exome Variant Server 0.00100; 1000 Genomes Project 30x 0.00109; ExAC 0.00111; gnomAD exomes 0.00111 and 0.00157.
gnomAD v4.1: 2,447 of 1,614,086 alleles (0.15%); highest among the groups gnomAD compares: Non-Finnish European, 0.18%; 2 homozygotes.

Submissions (2):

CeGaT Center for Human Genetics Tuebingen
Classification: Likely benign. Last evaluated: 2026-07-01. Review status: criteria provided, single submitter. Criteria: CeGaT Center For Human Genetics Tuebingen Variant Classification Criteria Version 2. Collection method: clinical testing. Allele origin: germline. Affected: yes. Observed: 1 variant allele.
Comment: PON1: BP4, BP7

Labcorp Genetics (formerly Invitae), Labcorp
Classification: Benign. Last evaluated: 2018-08-08. Review status: criteria provided, single submitter. Criteria: Invitae Variant Classification Sherloc (09022015). Collection method: clinical testing. Allele origin: germline.

NM_000446.7(PON1):c.603G>A (p.Ala201=)

Gene: PON1 (paraoxonase 1; minus strand). Cytogenetic location: 7q21.3.
Variant type: single nucleotide variant.
Coding change: c.603G>A on transcript NM_000446.7 (MANE Select); coding-DNA position 603, G replaced by A.
Protein change: p.Ala201=; no amino-acid change (alanine 201 retained).
Molecular consequence: synonymous variant.
Genome position (GRCh38, 1-based): chr7:95,308,106, C>T on the plus strand (G>A on the coding strand, the complement: PON1 is on the minus strand). VCF-style: chr7-95308106-C-T. GRCh37 (hg19) VCF-style: chr7-94937418-C-T.
Identifiers: ClinVar variation 715878 (VCV000715878.4), dbSNP rs148452713, ClinGen allele CA4350246.